The following is an entry in ClinVar:

ClinVar aggregate classification (germline): Benign (1 of 4 stars; one submission).

Conditions:
Familial cancer of breast. Also called: BREAST CANCER, FAMILIAL; Hereditary breast cancer; hereditary breast carcinoma. Identifiers: Orphanet 227535, MedGen C0346153, MONDO:0016419, OMIM 114480. Disease mechanism: loss of function.

Submission:

Myriad Genetics, Inc.
Classification: Benign for Familial cancer of breast. Last evaluated: 2024-04-18. Review status: criteria provided, single submitter. Criteria: Myriad Autosomal Dominant, Autosomal Recessive and X-Linked Classification Criteria (2023). Collection method: clinical testing. Allele origin: unknown.
Comment: This variant is considered benign. This variant is a silent/synonymous amino acid change and it is not expected to impact splicing.

NM_000051.4(ATM):c.226A>C (p.Arg76=)

Gene: ATM (ATM serine/threonine kinase; plus strand). Cytogenetic location: 11q22.3.
Variant type: single nucleotide variant.
Coding change: c.226A>C on transcript NM_000051.4 (MANE Select); coding-DNA position 226, A replaced by C.
Protein change: p.Arg76=; no amino-acid change (arginine 76 retained).
Molecular consequence: synonymous variant.
Genome position (GRCh38, 1-based): chr11:108,229,218, A>C. VCF-style: chr11-108229218-A-C. GRCh37 (hg19) VCF-style: chr11-108099945-A-C.
Other names: c.226A>C, p.Arg76= (NM_001351834.2, NM_001351835.2, NM_001351836.2).
Identifiers: ClinVar variation 3253923 (VCV003253923.1), dbSNP rs2078885147.
Genomic context (GRCh38, chr11:108,229,218, plus strand): 5'-TGCATTTTGTTTTCTTGAAGATTTTTACAGAAATATATTCAGAAAGAAACAGAATGTCTG[A>C]GAATAGCAAAACCAAATGTATCAGCCTCAACACAAGCCTCCAGGCAGAAAAAGATGCAGG-3'
Protein context (NP_000042.3, residues 66-86): KYIQKETECL[Arg76=]IAKPNVSAST